The following is an entry in ClinVar:

ClinVar aggregate classification (germline): Uncertain significance (1 of 4 stars; one submission).

Submission:

Ambry Genetics
Classification: Uncertain significance. Last evaluated: 2023-10-13. Review status: criteria provided, single submitter. Criteria: Ambry Variant Classification Scheme 2023. Collection method: clinical testing. Allele origin: germline.
Comment: The p.D326H variant (also known as c.976G>C), located in coding exon 8 of the RECQL gene, results from a G to C substitution at nucleotide position 976. The aspartic acid at codon 326 is replaced by histidine, an amino acid with similar properties. This amino acid position is highly conserved in available vertebrate species. In addition, this alteration is predicted to be deleterious by in silico analysis. The evidence for this gene-disease relationship is limited; therefore, the clinical significance of this alteration is unclear.

NM_002907.4(RECQL):c.976G>C (p.Asp326His)

Gene: RECQL (RecQ like helicase; minus strand). Cytogenetic location: 12p12.1.
Variant type: single nucleotide variant.
Coding change: c.976G>C on transcript NM_002907.4 (MANE Select); coding-DNA position 976, G replaced by C.
Protein change: p.Asp326His; replaces aspartic acid 326 with histidine.
Molecular consequence: missense variant.
Genome position (GRCh38, 1-based): chr12:21,475,798, C>G on the plus strand (G>C on the coding strand, the complement: RECQL is on the minus strand). VCF-style: chr12-21475798-C-G. GRCh37 (hg19) VCF-style: chr12-21628732-C-G.
Other names: c.976G>C, p.Asp326His (NM_032941.3); short protein forms D326H.
Identifiers: ClinVar variation 3222999 (VCV003222999.1), dbSNP rs2540347289, ClinGen allele CA384122179.